The following is an entry in ClinVar:

NM_025137.4(SPG11):c.227G>A (p.Gly76Asp)

Gene: SPG11 (SPG11 vesicle trafficking associated, spatacsin; minus strand). Cytogenetic location: 15q21.1.
Variant type: single nucleotide variant.
Coding change: c.227G>A on transcript NM_025137.4 (MANE Select); coding-DNA position 227, G replaced by A.
Protein change: p.Gly76Asp; replaces glycine 76 with aspartic acid.
Molecular consequence: missense variant.
Genome position (GRCh38, 1-based): chr15:44,663,421, C>T on the plus strand (G>A on the coding strand, the complement: SPG11 is on the minus strand). VCF-style: chr15-44663421-C-T. GRCh37 (hg19) VCF-style: chr15-44955619-C-T.
Other names: c.227G>A (NM_025137.3); c.227G>A, p.Gly76Asp (NM_001160227.2, NM_001411132.1); short protein forms G76D.
Identifiers: ClinVar variation 2191223 (VCV002191223.5), dbSNP rs777286963, ClinGen allele CA270113621.

ClinVar aggregate classification (germline): Uncertain significance. Review status: criteria provided, multiple submitters, no conflicts (2 of 4 stars). 2 submissions from 2 submitters: Uncertain significance (2). Last evaluated 2025-01-24.

Conditions:
Inborn genetic diseases. Identifiers: MedGen C0950123, MeSH D030342.
Hereditary spastic paraplegia 11. Also called: SPASTIC PARAPLEGIA, AUTOSOMAL RECESSIVE, COMPLICATED, WITH THIN CORPUS CALLOSUM; SPASTIC PARAPLEGIA, AUTOSOMAL RECESSIVE, WITH MENTAL IMPAIRMENT AND THIN CORPUS CALLOSUM; Nakamura Osame syndrome; Autosomal recessive hereditary spastic paraplegia, mental impairment, and thin corpus callosum; Spastic paraplegia, mental retardation and thin corpus callosum; Spastic Paraplegia 11. Identifiers: Orphanet 2822, MedGen C1858479, MONDO:0011445, OMIM 604360.

Allele frequency attached by ClinVar (database versions not stated): TOPMed 0.00001.
gnomAD v4.1: 7 of 1,606,092 alleles (0.00044%); highest among the groups gnomAD compares: Admixed American, 0.0017%; no homozygotes.

Submissions (2):

Ambry Genetics
Classification: Uncertain significance for Inborn genetic diseases. Last evaluated: 2025-01-24. Review status: criteria provided, single submitter. Criteria: Ambry Variant Classification Scheme 2023. Collection method: clinical testing. Allele origin: germline.

Labcorp Genetics (formerly Invitae), Labcorp
Classification: Uncertain significance for Hereditary spastic paraplegia 11. Last evaluated: 2023-12-07. Review status: criteria provided, single submitter. Criteria: Invitae Variant Classification Sherloc (09022015). Collection method: clinical testing. Allele origin: germline.
Comment: This sequence change replaces glycine, which is neutral and non-polar, with aspartic acid, which is acidic and polar, at codon 76 of the SPG11 protein (p.Gly76Asp). This variant is present in population databases (rs777286963, gnomAD 0.003%). This variant has not been reported in the literature in individuals affected with SPG11-related conditions. ClinVar contains an entry for this variant (Variation ID: 2191223). An algorithm developed to predict the effect of missense changes on protein structure and function (PolyPhen-2) suggests that this variant is likely to be tolerated. In summary, the available evidence is currently insufficient to determine the role of this variant in disease. Therefore, it has been classified as a Variant of Uncertain Significance.